The following is an entry in ClinVar:

ClinVar aggregate classification (germline): Likely benign (0 of 4 stars; one submission).

Conditions:
PRKRA-related disorder. Also called: PRKRA-related condition.

Allele frequency attached by ClinVar (database versions not stated): gnomAD exomes 0.00002.
gnomAD v4.1: 10 of 729,570 alleles (0.0014%); highest among the groups gnomAD compares: South Asian, 0.0019%; no homozygotes.

Submission:

PreventionGenetics, part of Exact Sciences
Classification: Likely benign for PRKRA-related condition. Last evaluated: 2022-12-19. Review status: no assertion criteria provided. Collection method: clinical testing. Allele origin: germline.
Comment: This variant is classified as likely benign based on ACMG/AMP sequence variant interpretation guidelines (Richards et al. 2015 PMID: 25741868, with internal and published modifications).

NM_003690.5(PRKRA):c.397-10G>T

Gene: PRKRA (protein activator of interferon induced protein kinase EIF2AK2; minus strand). Cytogenetic location: 2q31.2.
Variant type: single nucleotide variant.
Coding change: c.397-10G>T on transcript NM_003690.5 (MANE Select); 10 bases into the intron before coding-DNA position 397, G replaced by T.
Molecular consequence: intron variant.
Genome position (GRCh38, 1-based): chr2:178,443,394, C>A on the plus strand (G>T on the coding strand, the complement: PRKRA is on the minus strand). VCF-style: chr2-178443394-C-A. GRCh37 (hg19) VCF-style: chr2-179308121-C-A.
Other names: c.58-10G>T (NM_001316362.2); c.364-10G>T (NM_001139517.1); c.322-10G>T (NM_001139518.1).
Identifiers: ClinVar variation 3056049 (VCV003056049.2), dbSNP rs752442006, ClinGen allele CA1983919.
Genomic context (GRCh38, chr2:178,443,394, plus strand): 5'-CTGGGAAAGGGTATATTCAGGAAGTCTCCAGCCATGATGAATAGCCAATTCCTATAAAAT[C>A]AAGATGAGGCTTTAATAGTAATTTTATGCAATGGCTCAATCACATAAGTGTTTTCTTAAT-3'